The following is an entry in ClinVar:

NM_003738.5(PTCH2):c.1272C>T (p.Ser424=)

Gene: PTCH2 (patched 2; minus strand). Cytogenetic location: 1p34.1.
Variant type: single nucleotide variant.
Coding change: c.1272C>T on transcript NM_003738.5 (MANE Select); coding-DNA position 1272, C replaced by T.
Protein change: p.Ser424=; no amino-acid change (serine 424 retained).
Molecular consequence: synonymous variant.
Genome position (GRCh38, 1-based): chr1:44,829,256, G>A on the plus strand (C>T on the coding strand, the complement: PTCH2 is on the minus strand). VCF-style: chr1-44829256-G-A. GRCh37 (hg19) VCF-style: chr1-45294928-G-A.
Other names: c.1272C>T, p.Ser424= (NM_001166292.2).
Identifiers: ClinVar variation 697057 (VCV000697057.18), dbSNP rs56016752, ClinGen allele CA823365.

ClinVar aggregate classification (germline): Likely benign. Review status: criteria provided, multiple submitters, no conflicts (2 of 4 stars). 2 submissions from 2 submitters: Likely benign (2). Last evaluated 2025-09-01.

Conditions:
Gorlin syndrome. Also called: Nevoid Basal Cell Carcinoma Syndrome; Basal cell nevus syndrome. Identifiers: Orphanet 377, MedGen C0004779, MONDO:0007187.

Allele frequency attached by ClinVar (database versions not stated): gnomAD 0.00004 and 0.00007; TOPMed 0.00011; 1000 Genomes Project 30x 0.00016; 1000 Genomes Project 0.00020.

Submissions (2):

CeGaT Center for Human Genetics Tuebingen
Classification: Likely benign. Last evaluated: 2025-09-01. Review status: criteria provided, single submitter. Criteria: CeGaT Center For Human Genetics Tuebingen Variant Classification Criteria Version 2. Collection method: clinical testing. Allele origin: germline. Affected: yes. Observed: 1 variant allele.
Comment: PTCH2: BP4, BP7

Labcorp Genetics (formerly Invitae), Labcorp
Classification: Likely benign for Gorlin syndrome. Last evaluated: 2025-06-03. Review status: criteria provided, single submitter. Criteria: Invitae Variant Classification Sherloc (09022015). Collection method: clinical testing. Allele origin: germline.